The following is an entry in ClinVar:

NM_001040108.2(MLH3):c.707G>A (p.Ser236Asn)

Gene: MLH3 (mutL homolog 3; minus strand). Cytogenetic location: 14q24.3.
Variant type: single nucleotide variant.
Coding change: c.707G>A on transcript NM_001040108.2 (MANE Select); coding-DNA position 707, G replaced by A.
Protein change: p.Ser236Asn; replaces serine 236 with asparagine.
Molecular consequence: missense variant.
Genome position (GRCh38, 1-based): chr14:75,048,949, C>T on the plus strand (G>A on the coding strand, the complement: MLH3 is on the minus strand). VCF-style: chr14-75048949-C-T. GRCh37 (hg19) VCF-style: chr14-75515652-C-T.
Other names: c.707G>A, p.Ser236Asn (NM_014381.3); short protein forms S236N.
Identifiers: ClinVar variation 656088 (VCV000656088.13), dbSNP rs1594782527, ClinGen allele CA390449520.

ClinVar aggregate classification (germline): Uncertain significance. Review status: criteria provided, multiple submitters, no conflicts (2 of 4 stars). 2 submissions from 2 submitters: Uncertain significance (2). Last evaluated 2022-01-05.

Conditions:
Colorectal cancer, hereditary nonpolyposis, type 7. Identifiers: Orphanet 144, MedGen C1858380, MONDO:0013725, OMIM 614385.

Submissions (2):

Ambry Genetics
Classification: Uncertain significance. Last evaluated: 2022-01-05. Review status: criteria provided, single submitter. Criteria: Ambry Variant Classification Scheme 2023. Collection method: clinical testing. Allele origin: germline.
Comment: The p.S236N variant (also known as c.707G>A), located in coding exon 1 of the MLH3 gene, results from a G to A substitution at nucleotide position 707. The serine at codon 236 is replaced by asparagine, an amino acid with highly similar properties. This amino acid position is conserved. In addition, this alteration is predicted to be tolerated by in silico analysis. Since supporting evidence is limited at this time, the clinical significance of this alteration remains unclear.

Labcorp Genetics (formerly Invitae), Labcorp
Classification: Uncertain significance for Colorectal cancer, hereditary nonpolyposis, type 7. Last evaluated: 2019-01-26. Review status: criteria provided, single submitter. Criteria: Invitae Variant Classification Sherloc (09022015). Collection method: clinical testing. Allele origin: germline.
Comment: In summary, the available evidence is currently insufficient to determine the role of this variant in disease. Therefore, it has been classified as a Variant of Uncertain Significance. Algorithms developed to predict the effect of missense changes on protein structure and function output the following: SIFT: "Tolerated"; PolyPhen-2: "Benign"; Align-GVGD: "Class C0". The asparagine amino acid residue is found in multiple mammalian species, suggesting that this missense change does not adversely affect protein function. These predictions have not been confirmed by published functional studies and their clinical significance is uncertain. This variant has not been reported in the literature in individuals with MLH3-related conditions. This variant is not present in population databases (ExAC no frequency). This sequence change replaces serine with asparagine at codon 236 of the MLH3 protein (p.Ser236Asn). The serine residue is weakly conserved and there is a small physicochemical difference between serine and asparagine.